The following is an entry in ClinVar:

NM_004168.4(SDHA):c.684_685delinsC (p.Glu230fs)

Gene: SDHA (succinate dehydrogenase complex flavoprotein subunit A; plus strand). Cytogenetic location: 5p15.33.
Variant type: Indel.
Coding change: c.684_685delinsC on transcript NM_004168.4 (MANE Select); coding-DNA positions 684 to 685, TG replaced by C.
Protein change: p.Glu230fs; shifts the reading frame from glutamic acid 230.
Molecular consequence: frameshift variant.
Genome position (GRCh38, 1-based): chr5:228,247-228,248, TG replaced by C. VCF-style: chr5-228247-TG-C. GRCh37 (hg19) VCF-style: chr5-228362-TG-C.
Other names: c.540_541delinsC, p.Glu182fs (NM_001294332.2); c.684_685delinsC, p.Glu230fs (NM_001330758.2); short protein forms E230fs, E182fs.
Identifiers: ClinVar variation 4825097 (VCV004825097.1).

ClinVar aggregate classification (germline): Pathogenic (1 of 4 stars; one submission).

Conditions:
Hereditary cancer-predisposing syndrome. Also called: Neoplastic Syndromes, Hereditary; Tumor predisposition; Hereditary Cancer Syndrome; Hereditary neoplastic syndrome. Identifiers: Orphanet 140162, MedGen C0027672, MeSH D009386, MONDO:0015356.

Submission:

Ambry Genetics
Classification: Pathogenic for Hereditary cancer-predisposing syndrome. Last evaluated: 2026-02-03. Review status: criteria provided, single submitter. Criteria: Ambry Variant Classification Scheme 2023. Collection method: clinical testing. Allele origin: germline.
Comment: The c.684_685delTGinsC pathogenic mutation, located in coding exon 6 of the SDHA gene, results from the deletion of two nucleotides and insertion of one nucleotide causing a translational frameshift with a predicted alternate stop codon (p.E230Sfs*10). This variant is considered to be rare based on population cohorts in the Genome Aggregation Database (gnomAD). This variant is expected to result in loss of function by premature protein truncation or nonsense-mediated mRNA decay. As such, this variant is interpreted as a disease-causing mutation.